The following is an entry in ClinVar:

NM_001330677.2(TBX15):c.1670A>G (p.Tyr557Cys)

Gene: TBX15 (T-box transcription factor 15; minus strand). Cytogenetic location: 1p12.
Variant type: single nucleotide variant.
Coding change: c.1670A>G on transcript NM_001330677.2 (MANE Select); coding-DNA position 1670, A replaced by G.
Protein change: p.Tyr557Cys; replaces tyrosine 557 with cysteine.
Molecular consequence: missense variant.
Genome position (GRCh38, 1-based): chr1:118,884,871, T>C on the plus strand (A>G on the coding strand, the complement: TBX15 is on the minus strand). VCF-style: chr1-118884871-T-C. GRCh37 (hg19) VCF-style: chr1-119427494-T-C.
Other names: c.1352A>G, p.Tyr451Cys (NM_152380.3); short protein forms Y557C, Y451C.
Identifiers: ClinVar variation 2001423 (VCV002001423.4), dbSNP rs1571141808, ClinGen allele CA341432021.

ClinVar aggregate classification (germline): Uncertain significance (1 of 4 stars; one submission).

Submission:

Labcorp Genetics (formerly Invitae), Labcorp
Classification: Uncertain significance. Last evaluated: 2022-10-24. Review status: criteria provided, single submitter. Criteria: Invitae Variant Classification Sherloc (09022015). Collection method: clinical testing. Allele origin: germline.
Comment: In summary, the available evidence is currently insufficient to determine the role of this variant in disease. Therefore, it has been classified as a Variant of Uncertain Significance. Algorithms developed to predict the effect of missense changes on protein structure and function are either unavailable or do not agree on the potential impact of this missense change (SIFT: "Deleterious"; PolyPhen-2: "Probably Damaging"; Align-GVGD: "Class C0"). This variant has not been reported in the literature in individuals affected with TBX15-related conditions. This variant is not present in population databases (gnomAD no frequency). This sequence change replaces tyrosine, which is neutral and polar, with cysteine, which is neutral and slightly polar, at codon 451 of the TBX15 protein (p.Tyr451Cys).